The following is an entry in ClinVar:

ClinVar aggregate classification (germline): Pathogenic (1 of 4 stars; one submission).

Conditions:
Primary pulmonary hypertension. Also called: Idiopathic pulmonary hypertension. Identifiers: MedGen C0152171.

Submission:

Labcorp Genetics (formerly Invitae), Labcorp
Classification: Pathogenic for Primary pulmonary hypertension. Last evaluated: 2020-08-20. Review status: criteria provided, single submitter. Criteria: Invitae Variant Classification Sherloc (09022015). Collection method: clinical testing. Allele origin: germline.
Comment: This variant is an out-of-frame deletion of the genomic region encompassing exon(s) 4-5 of the BMPR2 gene. This is expected to create a premature translational stop signal and result in an absent or disrupted protein product. This variant has been observed in individual(s) with pulmonary arterial hypertension (PMID: 19555857, 15775752, 21920918, 31727138). Loss-of-function variants in BMPR2 are known to be pathogenic (PMID: 16429395). For these reasons, this variant has been classified as Pathogenic.

Literature cited by the submitters: PubMed 19555857; PubMed 15775752; PubMed 21920918; PubMed 31727138; PubMed 16429395.

NC_000002.11:g.(?_203378432)_(203379712_?)del

Gene: BMPR2 (bone morphogenetic protein receptor type 2; plus strand). Cytogenetic location: 2q33.2.
Variant type: Deletion.
Identifiers: ClinVar variation 1075070 (VCV001075070.1).